The following is an entry in ClinVar:

ClinVar aggregate classification (germline): Likely pathogenic (1 of 4 stars; one submission).

Conditions:
CHARGE syndrome (CHARGE). Also called: Hittner Hirsch Kreh syndrome; Coloboma, heart anomaly, choanal atresia, retardation, genital and ear anomalies; CHARGE association; Hall-Hittner syndrome; CHARGE ASSOCIATION--COLOBOMA, HEART ANOMALY, CHOANAL ATRESIA, RETARDATION, GENITAL AND EAR ANOMALIES. Identifiers: Orphanet 138, MedGen C0265354, MONDO:0008965.

Submission:

Labcorp Genetics (formerly Invitae), Labcorp
Classification: Likely pathogenic for CHARGE syndrome. Last evaluated: 2019-07-24. Review status: criteria provided, single submitter. Criteria: Invitae Variant Classification Sherloc (09022015). Collection method: clinical testing. Allele origin: germline.
Comment: In summary, the currently available evidence indicates that the variant is pathogenic, but additional data are needed to prove that conclusively. Therefore, this variant has been classified as Likely Pathogenic. Donor and acceptor splice site variants typically lead to a loss of protein function (PMID: 16199547), and loss-of-function variants in CHD7 are known to be pathogenic (PMID: 22461308, 25077900). Algorithms developed to predict the effect of sequence changes on RNA splicing suggest that this variant may disrupt the consensus splice site, but this prediction has not been confirmed by published transcriptional studies. This variant has been observed in an individual affected with CHARGE syndrome (PMID: 22461308). This variant is not present in population databases (ExAC no frequency). This sequence change affects an acceptor splice site in intron 30 of the CHD7 gene. It is expected to disrupt RNA splicing and likely results in an absent or disrupted protein product.

Literature cited by the submitters: PubMed 16199547; PubMed 22461308; PubMed 25077900.

NM_017780.4(CHD7):c.6104-2A>T

Gene: CHD7 (chromodomain helicase DNA binding protein 7; plus strand). Cytogenetic location: 8q12.2.
Variant type: single nucleotide variant.
Coding change: c.6104-2A>T on transcript NM_017780.4 (MANE Select); the canonical splice acceptor site of the intron before coding-DNA position 6104, A replaced by T.
Molecular consequence: splice acceptor variant. On other transcripts: intron variant (1).
Genome position (GRCh38, 1-based): chr8:60,852,827, A>T. VCF-style: chr8-60852827-A-T. GRCh37 (hg19) VCF-style: chr8-61765386-A-T.
Other names: c.1717-9402A>T (NM_001316690.1).
Identifiers: ClinVar variation 944293 (VCV000944293.10), dbSNP rs1805513214, ClinGen allele CA371324195.